The following is an entry in ClinVar:

ClinVar aggregate classification (germline): Uncertain significance (1 of 4 stars; one submission).

gnomAD v4.1: 1 of 1,614,114 alleles (0.000062%); highest among the groups gnomAD compares: East Asian, 0.0022%; no homozygotes.

Submission:

Labcorp Genetics (formerly Invitae), Labcorp
Classification: Uncertain significance. Last evaluated: 2022-10-24. Review status: criteria provided, single submitter. Criteria: Invitae Variant Classification Sherloc (09022015). Collection method: clinical testing. Allele origin: germline.
Comment: This sequence change replaces glycine, which is neutral and non-polar, with valine, which is neutral and non-polar, at codon 104 of the COL18A1 protein (p.Gly104Val). In summary, the available evidence is currently insufficient to determine the role of this variant in disease. Therefore, it has been classified as a Variant of Uncertain Significance. Experimental studies and prediction algorithms are not available or were not evaluated, and the functional significance of this variant is currently unknown. This variant has not been reported in the literature in individuals affected with COL18A1-related conditions. This variant is not present in population databases (gnomAD no frequency).

NM_001379500.1(COL18A1):c.311G>T (p.Gly104Val)

Gene: COL18A1 (collagen type XVIII alpha 1 chain; plus strand). Cytogenetic location: 21q22.3.
Variant type: single nucleotide variant.
Coding change: c.311G>T on transcript NM_001379500.1 (MANE Select); coding-DNA position 311, G replaced by T.
Protein change: p.Gly104Val; replaces glycine 104 with valine.
Molecular consequence: missense variant.
Genome position (GRCh38, 1-based): chr21:45,468,446, G>T. VCF-style: chr21-45468446-G-T. GRCh37 (hg19) VCF-style: chr21-46888360-G-T.
Other names: c.851G>T, p.Gly284Val (NM_030582.4); c.1556G>T, p.Gly519Val (NM_130444.3); short protein forms G104V, G284V, G519V.
Identifiers: ClinVar variation 1718489 (VCV001718489.5), dbSNP rs2035296152, ClinGen allele CA410511787.
Genomic context (GRCh38, chr21:45,468,446, plus strand): 5'-TCCCCAGCCTCTTCTTCCGTGACTTCTCACTGCTGTTCCACATCCGGCCAGCCACAGAGG[G>T]CCCAGGGGTGCTGTTCGCCATCACGGACTCGGCGCAGGCCATGGTCTTGCTGGGCGTGAA-3'
Protein context (NP_001366429.1, residues 94-114): LLFHIRPATE[Gly104Val]PGVLFAITDS